The following is an entry in ClinVar:

ClinVar aggregate classification (germline): Conflicting classifications of pathogenicity. Review status: criteria provided, conflicting classifications (1 of 4 stars). 5 submissions from 5 submitters: Uncertain significance (3); Likely benign (1). 1 of the submissions does not count toward it. Last evaluated 2026-03-25.

Conditions:
USH2A-related disorder. Also called: USH2A-related disorders; USH2A-related condition. Identifiers: MedGen CN239332.
Usher syndrome type 2A. Also called: RETINAL DISEASE IN USHER SYNDROME TYPE IIA, MODIFIER OF; USHER SYNDROME, TYPE IIA. Identifiers: Orphanet 231178, Orphanet 886, MedGen C1848634, MONDO:0010169, OMIM 276901.

Allele frequency attached by ClinVar (database versions not stated): gnomAD exomes 0.00007; ExAC 0.00008; gnomAD 0.00009; TOPMed 0.00011; 1000 Genomes Project 30x 0.00016; 1000 Genomes Project 0.00020.
gnomAD v4.1: 136 of 1,613,800 alleles (0.0084%); highest among the groups gnomAD compares: South Asian, 0.018%; no homozygotes.

Submissions (5):

PreventionGenetics, part of Exact Sciences
Classification: Uncertain significance for USH2A-related condition. Last evaluated: 2026-03-25. Review status: criteria provided, single submitter. Criteria: ACMG Guidelines, 2015. Collection method: clinical testing. Allele origin: germline.
Comment: The USH2A c.9614G>A variant is predicted to result in the amino acid substitution p.Arg3205His. To our knowledge, this variant has not been reported in the literature. This variant is reported in 0.020% of alleles in individuals of South Asian descent in gnomAD. At this time, the clinical significance of this variant is uncertain due to the absence of conclusive functional and genetic evidence.

Labcorp Genetics (formerly Invitae), Labcorp
Classification: Likely benign. Last evaluated: 2026-01-13. Review status: criteria provided, single submitter. Criteria: Invitae Variant Classification Sherloc (09022015). Collection method: clinical testing. Allele origin: germline.

GeneDx
Classification: Uncertain significance. Last evaluated: 2025-12-19. Review status: criteria provided, single submitter. Criteria: GeneDx Variant Classification Process June 2021. Collection method: clinical testing. Allele origin: germline. Affected: yes.
Comment: In silico analysis suggests that this missense variant does not alter protein structure/function; This variant is associated with the following publications: (PMID: 28604982)

Blueprint Genetics
Classification: Uncertain significance. Last evaluated: 2024-02-15. Review status: criteria provided, single submitter. Criteria: ACMG Guidelines, 2015. Collection method: clinical testing. Allele origin: germline.

Natera, Inc.
Classification: Uncertain significance for Usher syndrome type 2A. Last evaluated: 2020-01-24. Review status: no assertion criteria provided. Collection method: clinical testing. Allele origin: germline. Not counted in ClinVar's aggregate classification.

NM_206933.4(USH2A):c.9614G>A (p.Arg3205His)

Gene: USH2A (usherin; minus strand). Cytogenetic location: 1q41.
Variant type: single nucleotide variant.
Coding change: c.9614G>A on transcript NM_206933.4 (MANE Select); coding-DNA position 9614, G replaced by A.
Protein change: p.Arg3205His; replaces arginine 3205 with histidine.
Molecular consequence: missense variant.
Genome position (GRCh38, 1-based): chr1:215,813,861, C>T on the plus strand (G>A on the coding strand, the complement: USH2A is on the minus strand). VCF-style: chr1-215813861-C-T. GRCh37 (hg19) VCF-style: chr1-215987203-C-T.
Other names: short protein forms R3205H.
Identifiers: ClinVar variation 432352 (VCV000432352.16), dbSNP rs200726531, ClinGen allele CA1394253.
Genomic context (GRCh38, chr1:215,813,861, plus strand): 5'-CCACCACAACAAACTCCAGTAGAATTCAGAACAAACGGGATATACTTTTCTTCACAACAG[C>T]GATGTCCAGGCTTGGGGTTATAGAGCACTCCGTTACAACAAACCTGAAAGTTTGAAAACA-3'
Protein context (NP_996816.3, residues 3195-3215): GVLYNPKPGH[Arg3205His]CCEEKYIPFV